The following is an entry in ClinVar:

ClinVar aggregate classification (germline): Uncertain significance (1 of 4 stars; one submission).

Submission:

Labcorp Genetics (formerly Invitae), Labcorp
Classification: Uncertain significance. Last evaluated: 2023-11-04. Review status: criteria provided, single submitter. Criteria: Invitae Variant Classification Sherloc (09022015). Collection method: clinical testing. Allele origin: germline.
Comment: This sequence change replaces glycine, which is neutral and non-polar, with arginine, which is basic and polar, at codon 273 of the LOX protein (p.Gly273Arg). This variant is not present in population databases (gnomAD no frequency). This variant has not been reported in the literature in individuals affected with LOX-related conditions. Advanced modeling of protein sequence and biophysical properties (such as structural, functional, and spatial information, amino acid conservation, physicochemical variation, residue mobility, and thermodynamic stability) performed at Invitae indicates that this missense variant is expected to disrupt LOX protein function with a positive predictive value of 95%. In summary, the available evidence is currently insufficient to determine the role of this variant in disease. Therefore, it has been classified as a Variant of Uncertain Significance.

NM_002317.7(LOX):c.817G>C (p.Gly273Arg)

Genes: LOX (lysyl oxidase; minus strand), SRFBP1 (serum response factor binding protein 1; plus strand). Cytogenetic location: 5q23.1.
Variant type: single nucleotide variant.
Coding change: c.817G>C on transcript NM_002317.7 (MANE Select); coding-DNA position 817, G replaced by C.
Protein change: p.Gly273Arg; replaces glycine 273 with arginine.
Molecular consequence: missense variant. On other transcripts: 5 prime UTR variant (1).
Genome position (GRCh38, 1-based): chr5:122,075,465, C>G on the plus strand (G>C on the coding strand, the complement: LOX is on the minus strand). VCF-style: chr5-122075465-C-G. GRCh37 (hg19) VCF-style: chr5-121411160-C-G.
Other names: c.127G>C, p.Gly43Arg (NM_001178102.2); c.-75G>C (NM_001317073.1); short protein forms G43R, G273R.
Identifiers: ClinVar variation 2693154 (VCV002693154.3), dbSNP rs2532911412, ClinGen allele CA360882140.
Genomic context (GRCh38, chr5:122,075,465, plus strand): 5'-GATGACAACTGTGCCATTCCCAGGAATATCTTGGTCGGCTGGGTAAGAAATCTGATGTCC[C>G]TTGGTTTTTCACTCTTTGGGGAAATCTGAGCAGCACCCTGTGATCATAATCTCTGACATC-3'
Protein context (NP_002308.2, residues 263-283): LRFPQRVKNQ[Gly273Arg]TSDFLPSRPR